The following is an entry in ClinVar:

NM_000535.7(PMS2):c.830C>G (p.Thr277Arg)

Gene: PMS2 (PMS1 homolog 2, mismatch repair system component; minus strand). Cytogenetic location: 7p22.1.
Variant type: single nucleotide variant.
Coding change: c.830C>G on transcript NM_000535.7 (MANE Select); coding-DNA position 830, C replaced by G.
Protein change: p.Thr277Arg; replaces threonine 277 with arginine.
Molecular consequence: missense variant. On other transcripts: non-coding transcript variant (1), 5 prime UTR variant (2).
Genome position (GRCh38, 1-based): chr7:5,995,607, G>C on the plus strand (C>G on the coding strand, the complement: PMS2 is on the minus strand). VCF-style: chr7-5995607-G-C. GRCh37 (hg19) VCF-style: chr7-6035238-G-C.
Other names: c.425C>G, p.Thr142Arg (NM_001406887.1, NM_001406888.1, NM_001406889.1 and 20 more transcripts); c.521C>G, p.Thr174Arg (NM_001406900.1, NM_001322015.2, NM_001406875.1 and 6 more transcripts); c.512C>G, p.Thr171Arg (NM_001406901.1, NM_001406902.1, NM_001406903.1 and 4 more transcripts); c.317C>G, p.Thr106Arg (NM_001406904.1, NM_001406905.1); c.257C>G, p.Thr86Arg (NM_001406909.1, NM_001322013.2); c.830C>G, p.Thr277Arg (NM_001322006.2, NM_001322014.2, NM_001406870.1 and 2 more transcripts); c.-104C>G (NM_001322011.2, NM_001322012.2); c.1016C>G, p.Thr339Arg (NM_001406866.1); and 4 more; short protein forms T142R, T171R, T241R, T106R, T165R, T277R, T339R, T86R.
Identifiers: ClinVar variation 1762867 (VCV001762867.2), dbSNP rs1805322, ClinGen allele CA366743531.

ClinVar aggregate classification (germline): Uncertain significance (1 of 4 stars; one submission).

Conditions:
Hereditary cancer-predisposing syndrome. Also called: Neoplastic Syndromes, Hereditary; Tumor predisposition; Hereditary Cancer Syndrome; Hereditary neoplastic syndrome. Identifiers: Orphanet 140162, MedGen C0027672, MeSH D009386, MONDO:0015356.

Submission:

Ambry Genetics
Classification: Uncertain significance for Hereditary cancer-predisposing syndrome. Last evaluated: 2020-02-21. Review status: criteria provided, single submitter. Criteria: Ambry Variant Classification Scheme 2023. Collection method: clinical testing. Allele origin: germline.
Comment: The p.T277R variant (also known as c.830C>G), located in coding exon 8 of the PMS2 gene, results from a C to G substitution at nucleotide position 830. The threonine at codon 277 is replaced by arginine, an amino acid with similar properties. This amino acid position is poorly conserved in available vertebrate species. In addition, this alteration is predicted to be tolerated by in silico analysis. Since supporting evidence is limited at this time, the clinical significance of this alteration remains unclear.